The following is an entry in ClinVar:

ClinVar aggregate classification (germline): Uncertain significance. Review status: criteria provided, multiple submitters, no conflicts (2 of 4 stars). 3 submissions from 3 submitters: Uncertain significance (2). 1 of the submissions does not count toward it. Last evaluated 2024-11-19.

Conditions:
Congenital myasthenic syndrome (CMS). Also called: Congenital Myasthenic Syndromes. Identifiers: Orphanet 590, MedGen C0751882, MeSH D020294, MONDO:0018940.
Congenital myasthenic syndrome 4A. Also called: Myasthenic syndrome, congenital, 4a, slow-channel; MYASTHENIC SYNDROME, CONGENITAL, 4A, SLOW-CHANNEL, AUTOSOMAL RECESSIVE; CONGENITAL MYASTHENIC SYNDROME TYPE Ia1. Identifiers: Orphanet 590, MedGen C4225413, MONDO:0011600, OMIM 605809.
Congenital myasthenic syndrome 4B. Also called: Myasthenic syndrome, congenital, 4b, fast-channel. Identifiers: Orphanet 590, MedGen C4225369, MONDO:0014586, OMIM 616324.
Congenital myasthenic syndrome 4C (CMS4C). Also called: Myasthenic syndrome, congenital, associated with acetylcholine receptor deficiency. Identifiers: Orphanet 590, MedGen C1837091, MONDO:0012157, OMIM 608931.

Allele frequency attached by ClinVar (database versions not stated): TOPMed below 0.00001; ExAC 0.00001; gnomAD exomes 0.00001 and 0.00002.
gnomAD v4.1: 21 of 1,614,208 alleles (0.0013%); highest among the groups gnomAD compares: Admixed American, 0.005%; no homozygotes.

Submissions (3):

Labcorp Genetics (formerly Invitae), Labcorp
Classification: Uncertain significance for Congenital myasthenic syndrome 4A. Last evaluated: 2024-11-19. Review status: criteria provided, single submitter. Criteria: Invitae Variant Classification Sherloc (09022015). Collection method: clinical testing. Allele origin: germline.
Comment: This sequence change replaces asparagine, which is neutral and polar, with serine, which is neutral and polar, at codon 190 of the CHRNE protein (p.Asn190Ser). This variant is present in population databases (rs753756406, gnomAD 0.006%). This variant has not been reported in the literature in individuals affected with CHRNE-related conditions. ClinVar contains an entry for this variant (Variation ID: 969592). Invitae Evidence Modeling of protein sequence and biophysical properties (such as structural, functional, and spatial information, amino acid conservation, physicochemical variation, residue mobility, and thermodynamic stability) indicates that this missense variant is not expected to disrupt CHRNE protein function with a negative predictive value of 95%. In summary, the available evidence is currently insufficient to determine the role of this variant in disease. Therefore, it has been classified as a Variant of Uncertain Significance.

Fulgent Genetics
Classification: Uncertain significance for Congenital myasthenic syndrome 4A; Congenital myasthenic syndrome 4C; Congenital myasthenic syndrome 4B. Last evaluated: 2022-02-11. Review status: criteria provided, single submitter. Criteria: ACMG Guidelines, 2015. Collection method: clinical testing. Allele origin: unknown.

Natera, Inc.
Classification: Uncertain significance for Congenital myasthenic syndrome. Last evaluated: 2020-08-14. Review status: no assertion criteria provided. Collection method: clinical testing. Allele origin: germline. Not counted in ClinVar's aggregate classification.

NM_000080.4(CHRNE):c.569A>G (p.Asn190Ser)

Genes: C17orf107 (chromosome 17 open reading frame 107; plus strand), CHRNE (cholinergic receptor nicotinic epsilon subunit; minus strand). Cytogenetic location: 17p13.2.
Variant type: single nucleotide variant.
Coding change: c.569A>G on transcript NM_000080.4 (MANE Select); coding-DNA position 569, A replaced by G.
Protein change: p.Asn190Ser; replaces asparagine 190 with serine.
Molecular consequence: missense variant. On other transcripts: 3 prime UTR variant (1).
Genome position (GRCh38, 1-based): chr17:4,901,557, T>C on the plus strand (A>G on the coding strand, the complement: CHRNE is on the minus strand). VCF-style: chr17-4901557-T-C. GRCh37 (hg19) VCF-style: chr17-4804852-T-C.
Other names: c.*1024T>C (NM_001145536.2); short protein forms N190S.
Identifiers: ClinVar variation 969592 (VCV000969592.9), dbSNP rs753756406, ClinGen allele CA8314357.